The following is an entry in ClinVar:

ClinVar aggregate classification (germline): Benign/Likely benign. Review status: criteria provided, multiple submitters, no conflicts (2 of 4 stars). 8 submissions from 8 submitters: Benign (3); Likely benign (5). Last evaluated 2026-02-03.

Conditions:
Hereditary cancer-predisposing syndrome. Also called: Neoplastic Syndromes, Hereditary; Hereditary Cancer Syndrome; Tumor predisposition; Hereditary neoplastic syndrome. Identifiers: Orphanet 140162, MedGen C0027672, MeSH D009386, MONDO:0015356.
Tuberous sclerosis syndrome (TSC). Also called: Tuberous Sclerosis Complex; Tuberous sclerosis. Identifiers: Orphanet 805, MedGen C0041341, MONDO:0001734.
Tuberous sclerosis 2 (TSC2). Identifiers: Orphanet 805, MedGen C1860707, MONDO:0013199, OMIM 613254.

Allele frequency attached by ClinVar (database versions not stated): ExAC 0.00001; TOPMed 0.00002.
gnomAD v4.1: 12 of 1,614,112 alleles (0.00074%); highest among the groups gnomAD compares: East Asian, 0.0022%; no homozygotes.

Submissions (8):

Labcorp Genetics (formerly Invitae), Labcorp
Classification: Benign for Tuberous sclerosis 2. Last evaluated: 2026-02-03. Review status: criteria provided, single submitter. Criteria: Invitae Variant Classification Sherloc (09022015). Collection method: clinical testing. Allele origin: germline.

Myriad Genetics, Inc.
Classification: Benign for Tuberous sclerosis 2. Last evaluated: 2025-05-19. Review status: criteria provided, single submitter. Criteria: Myriad Autosomal Dominant, Autosomal Recessive and X-Linked Classification Criteria (2023). Collection method: clinical testing. Allele origin: unknown.
Comment: This variant is considered benign. This variant is a silent/synonymous amino acid change and it is not expected to impact splicing.

All of Us Research Program, National Institutes of Health
Classification: Likely benign for Tuberous sclerosis syndrome. Last evaluated: 2023-09-18. Review status: criteria provided, single submitter. Criteria: ACMG Guidelines, 2015. Collection method: clinical testing. Allele origin: germline. Inheritance: Autosomal dominant inheritance. Observed: 4 variant alleles, 4 heterozygotes.
Comment: This study involves interpretation of variants in research participants for the purpose of population health screening. Participant phenotype was not available at the time of variant classification. Additional details can be found in publication PMID: 35346344, PMCID: PMC8962531

Color Diagnostics, LLC DBA Color Health
Classification: Likely benign for Tuberous sclerosis syndrome. Last evaluated: 2022-09-24. Review status: criteria provided, single submitter. Criteria: ACMG Guidelines, 2015. Collection method: clinical testing. Allele origin: germline.

Blueprint Genetics
Classification: Likely benign. Last evaluated: 2022-08-31. Review status: criteria provided, single submitter. Criteria: ACMG Guidelines, 2015. Collection method: clinical testing. Allele origin: germline.

Genome-Nilou Lab
Classification: Benign for Tuberous sclerosis 2. Last evaluated: 2021-11-07. Review status: criteria provided, single submitter. Criteria: ACMG Guidelines, 2015. Collection method: clinical testing. Allele origin: germline. Affected: no.

Sema4
Classification: Likely benign for Hereditary cancer-predisposing syndrome. Last evaluated: 2021-06-25. Review status: criteria provided, single submitter. Criteria: Sema4 Curation Guidelines. Collection method: curation. Allele origin: germline.

Ambry Genetics
Classification: Likely benign for Hereditary cancer-predisposing syndrome. Last evaluated: 2016-06-18. Review status: criteria provided, single submitter. Criteria: Ambry Variant Classification Scheme 2023. Collection method: clinical testing. Allele origin: germline.

NM_000548.5(TSC2):c.2211C>T (p.Leu737=)

Gene: TSC2 (TSC complex subunit 2; plus strand). Cytogenetic location: 16p13.3.
Variant type: single nucleotide variant.
Coding change: c.2211C>T on transcript NM_000548.5 (MANE Select); coding-DNA position 2211, C replaced by T.
Protein change: p.Leu737=; no amino-acid change (leucine 737 retained).
Molecular consequence: synonymous variant.
Genome position (GRCh38, 1-based): chr16:2,072,354, C>T. VCF-style: chr16-2072354-C-T. GRCh37 (hg19) VCF-style: chr16-2122355-C-T.
Other names: c.2211C>T, p.Leu737= (NM_001077183.3, NM_001114382.3, NM_001363528.2 and 3 more transcripts); c.2100C>T, p.Leu700= (NM_001318827.2); c.2064C>T, p.Leu688= (NM_001318829.2); c.1611C>T, p.Leu537= (NM_001318831.2); c.2244C>T, p.Leu748= (NM_001318832.2).
Identifiers: ClinVar variation 237985 (VCV000237985.23), dbSNP rs369851248, ClinGen allele CA037175.